The following is an entry in ClinVar:

NM_020944.3(GBA2):c.481A>G (p.Thr161Ala)

Gene: GBA2 (glucosylceramidase beta 2; minus strand). Cytogenetic location: 9p13.3.
Variant type: single nucleotide variant.
Coding change: c.481A>G on transcript NM_020944.3 (MANE Select); coding-DNA position 481, A replaced by G.
Protein change: p.Thr161Ala; replaces threonine 161 with alanine.
Molecular consequence: missense variant.
Genome position (GRCh38, 1-based): chr9:35,744,383, T>C on the plus strand (A>G on the coding strand, the complement: GBA2 is on the minus strand). VCF-style: chr9-35744383-T-C. GRCh37 (hg19) VCF-style: chr9-35744380-T-C.
Other names: c.481A>G, p.Thr161Ala (NM_001330660.2); c.481A>G (NM_020944.2); short protein forms T161A.
Identifiers: ClinVar variation 1057966 (VCV001057966.8), dbSNP rs778928893, ClinGen allele CA5050705.

ClinVar aggregate classification (germline): Uncertain significance. Review status: criteria provided, multiple submitters, no conflicts (2 of 4 stars). 3 submissions from 3 submitters: Uncertain significance (3). Last evaluated 2025-01-15.

Conditions:
Inborn genetic diseases. Identifiers: MedGen C0950123, MeSH D030342.
Spastic paraplegia. Identifiers: MedGen C0037772, HP:0001258.

Allele frequency attached by ClinVar (database versions not stated): gnomAD exomes 0.00001 and 0.00005; ExAC 0.00002; TOPMed 0.00002; gnomAD 0.00003 and 0.00004.
gnomAD v4.1: 77 of 1,611,620 alleles (0.0048%); highest among the groups gnomAD compares: Non-Finnish European, 0.0062%; no homozygotes.

Submissions (3):

GeneDx
Classification: Uncertain significance. Last evaluated: 2025-01-15. Review status: criteria provided, single submitter. Criteria: GeneDx Variant Classification Process June 2021. Collection method: clinical testing. Allele origin: germline. Affected: yes.
Comment: Not observed at significant frequency in large population cohorts (gnomAD); In silico analysis indicates that this missense variant does not alter protein structure/function; Has not been previously published as pathogenic or benign to our knowledge

Ambry Genetics
Classification: Uncertain significance for Inborn genetic diseases. Last evaluated: 2024-04-12. Review status: criteria provided, single submitter. Criteria: Ambry Variant Classification Scheme 2023. Collection method: clinical testing. Allele origin: germline.

Labcorp Genetics (formerly Invitae), Labcorp
Classification: Uncertain significance for Spastic paraplegia. Last evaluated: 2021-08-26. Review status: criteria provided, single submitter. Criteria: Invitae Variant Classification Sherloc (09022015). Collection method: clinical testing. Allele origin: germline.
Comment: This sequence change replaces threonine with alanine at codon 161 of the GBA2 protein (p.Thr161Ala). The threonine residue is moderately conserved and there is a small physicochemical difference between threonine and alanine. This variant is present in population databases (rs778928893, ExAC 0.003%). This variant has not been reported in the literature in individuals affected with GBA2-related conditions. Algorithms developed to predict the effect of missense changes on protein structure and function are either unavailable or do not agree on the potential impact of this missense change (SIFT: "Tolerated"; PolyPhen-2: "Possibly Damaging"; Align-GVGD: "Class C0"). In summary, the available evidence is currently insufficient to determine the role of this variant in disease. Therefore, it has been classified as a Variant of Uncertain Significance.